The following is an entry in ClinVar:

NM_013314.4(BLNK):c.646A>G (p.Thr216Ala)

Gene: BLNK (B cell linker; minus strand). Cytogenetic location: 10q24.1.
Variant type: single nucleotide variant.
Coding change: c.646A>G on transcript NM_013314.4 (MANE Select); coding-DNA position 646, A replaced by G.
Protein change: p.Thr216Ala; replaces threonine 216 with alanine.
Molecular consequence: missense variant. On other transcripts: non-coding transcript variant (1), intron variant (3).
Genome position (GRCh38, 1-based): chr10:96,215,351, T>C on the plus strand (A>G on the coding strand, the complement: BLNK is on the minus strand). VCF-style: chr10-96215351-T-C. GRCh37 (hg19) VCF-style: chr10-97975107-T-C.
Other names: c.646A>G, p.Thr216Ala (NM_001258440.2); c.350-19A>G (NM_001258442.2); c.607+1302A>G (NM_001258441.2, NM_001114094.2); c.646A>G (NM_013314.3); short protein forms T216A.
Identifiers: ClinVar variation 1013812 (VCV001013812.8), dbSNP rs1307642715, ClinGen allele CA377723209.
Genomic context (GRCh38, chr10:96,215,351, plus strand): 5'-AAACCAAACCAAATCACACATACACTTTACCTGAAGCTGTTCCTGGAGGAGAGGCGGGCG[T>C]TGAGGAATTTGGCTTGGTTGATCTATTCACCATGGGAGCTTAAACACAGAAATGTGTGTG-3'
Protein context (NP_037446.1, residues 206-226): VNRSTKPNSS[Thr216Ala]PASPPGTASG

ClinVar aggregate classification (germline): Uncertain significance. Review status: criteria provided, multiple submitters, no conflicts (2 of 4 stars). 2 submissions from 2 submitters: Uncertain significance (2). Last evaluated 2024-01-03.

Conditions:
Agammaglobulinemia 4, autosomal recessive (AGM4). Also called: AGAMMAGLOBULINEMIA, AUTOSOMAL RECESSIVE, DUE TO BLNK DEFECT; B cell linker protein deficiency. Identifiers: MedGen C3150752, MONDO:0013289, OMIM 613502.
Inborn genetic diseases. Identifiers: MedGen C0950123, MeSH D030342.

Allele frequency attached by ClinVar (database versions not stated): gnomAD exomes below 0.00001 and 0.00001; TOPMed 0.00001.
gnomAD v4.1: 3 of 1,614,044 alleles (0.00019%); highest among the groups gnomAD compares: African/African-American, 0.0027%; no homozygotes.

Submissions (2):

Ambry Genetics
Classification: Uncertain significance for Inborn genetic diseases. Last evaluated: 2024-01-03. Review status: criteria provided, single submitter. Criteria: Ambry Variant Classification Scheme 2023. Collection method: clinical testing. Allele origin: germline.

Labcorp Genetics (formerly Invitae), Labcorp
Classification: Uncertain significance for Agammaglobulinemia 4, autosomal recessive. Last evaluated: 2022-07-20. Review status: criteria provided, single submitter. Criteria: Invitae Variant Classification Sherloc (09022015). Collection method: clinical testing. Allele origin: germline.
Comment: This variant is not present in population databases (gnomAD no frequency). In summary, the available evidence is currently insufficient to determine the role of this variant in disease. Therefore, it has been classified as a Variant of Uncertain Significance. Algorithms developed to predict the effect of missense changes on protein structure and function (SIFT, PolyPhen-2, Align-GVGD) all suggest that this variant is likely to be tolerated. ClinVar contains an entry for this variant (Variation ID: 1013812). This variant has not been reported in the literature in individuals affected with BLNK-related conditions. This sequence change replaces threonine, which is neutral and polar, with alanine, which is neutral and non-polar, at codon 216 of the BLNK protein (p.Thr216Ala).